The following is an entry in ClinVar:

ClinVar aggregate classification (germline): Uncertain significance. Review status: criteria provided, multiple submitters, no conflicts (2 of 4 stars). 4 submissions from 4 submitters: Uncertain significance (4). Last evaluated 2025-09-12.

Conditions:
Hereditary cancer-predisposing syndrome. Also called: Neoplastic Syndromes, Hereditary; Tumor predisposition; Hereditary Cancer Syndrome; Hereditary neoplastic syndrome. Identifiers: Orphanet 140162, MedGen C0027672, MeSH D009386, MONDO:0015356.
Retinoblastoma (RB1). Also called: RETINOBLASTOMA, SOMATIC. Identifiers: Orphanet 790, MedGen C0035335, MeSH D012175, MONDO:0008380, OMIM 180200, HP:0009919. Disease mechanism: loss of function. Inheritance: Both sporadic and heritable forms are tested..

Allele frequency attached by ClinVar (database versions not stated): gnomAD exomes below 0.00001 and 0.00001; TOPMed below 0.00001.
gnomAD v4.1: 3 of 1,614,190 alleles (0.00019%); highest among the groups gnomAD compares: Admixed American, 0.0017%; no homozygotes.

Submissions (4):

Labcorp Genetics (formerly Invitae), Labcorp
Classification: Uncertain significance for Retinoblastoma. Last evaluated: 2025-09-12. Review status: criteria provided, single submitter. Criteria: Invitae Variant Classification Sherloc (09022015). Collection method: clinical testing. Allele origin: germline.
Comment: This sequence change replaces lysine, which is basic and polar, with arginine, which is basic and polar, at codon 615 of the RB1 protein (p.Lys615Arg). This variant is present in population databases (no rsID available, gnomAD no frequency). This variant has not been reported in the literature in individuals affected with RB1-related conditions. ClinVar contains an entry for this variant (Variation ID: 653549). Invitae Evidence Modeling of protein sequence and biophysical properties (such as structural, functional, and spatial information, amino acid conservation, physicochemical variation, residue mobility, and thermodynamic stability) indicates that this missense variant is not expected to disrupt RB1 protein function with a negative predictive value of 80%. In summary, the available evidence is currently insufficient to determine the role of this variant in disease. Therefore, it has been classified as a Variant of Uncertain Significance.

Ambry Genetics
Classification: Uncertain significance for Hereditary cancer-predisposing syndrome. Last evaluated: 2024-09-30. Review status: criteria provided, single submitter. Criteria: Ambry Variant Classification Scheme 2023. Collection method: clinical testing. Allele origin: germline.
Comment: The p.K615R variant (also known as c.1844A>G), located in coding exon 19 of the RB1 gene, results from an A to G substitution at nucleotide position 1844. The lysine at codon 615 is replaced by arginine, an amino acid with highly similar properties. This amino acid position is highly conserved in available vertebrate species. In addition, the in silico prediction for this alteration is inconclusive. Since supporting evidence is limited at this time, the clinical significance of this alteration remains unclear.

All of Us Research Program, National Institutes of Health
Classification: Uncertain significance for Retinoblastoma. Last evaluated: 2024-04-16. Review status: criteria provided, single submitter. Criteria: ACMG Guidelines, 2015. Collection method: clinical testing. Allele origin: germline. Inheritance: Autosomal dominant inheritance. Observed: 1 variant allele, 1 heterozygote.
Comment: This missense variant replaces lysine with arginine at codon 615 of the RB1 protein. Computational prediction suggests that this variant may not impact protein structure and function (internally defined REVEL score threshold <= 0.5, PMID: 27666373). To our knowledge, functional studies have not been reported for this variant. This variant has not been reported in individuals affected with hereditary cancer in the literature. This variant has been identified in 1/251376 chromosomes in the general population by the Genome Aggregation Database (gnomAD). The available evidence is insufficient to determine the role of this variant in disease conclusively. Therefore, this variant is classified as a Variant of Uncertain Significance.

This study involves interpretation of variants in research participants for the purpose of population health screening. Participant phenotype was not available at the time of variant classification. Additional details can be found in publication PMID: 35346344, PMCID: PMC8962531

Color Diagnostics, LLC DBA Color Health
Classification: Uncertain significance for Retinoblastoma. Last evaluated: 2024-03-21. Review status: criteria provided, single submitter. Criteria: ACMG Guidelines, 2015. Collection method: clinical testing. Allele origin: germline.
Comment: This missense variant replaces lysine with arginine at codon 615 of the RB1 protein. Computational prediction suggests that this variant may not impact protein structure and function. To our knowledge, functional studies have not been reported for this variant. This variant has not been reported in individuals affected with hereditary cancer in the literature. This variant has been identified in 1/251376 chromosomes in the general population by the Genome Aggregation Database (gnomAD). The available evidence is insufficient to determine the role of this variant in disease conclusively. Therefore, this variant is classified as a Variant of Uncertain Significance.

NM_000321.3(RB1):c.1844A>G (p.Lys615Arg)

Gene: RB1 (RB transcriptional corepressor 1; plus strand). Cytogenetic location: 13q14.2.
Variant type: single nucleotide variant.
Coding change: c.1844A>G on transcript NM_000321.3 (MANE Select); coding-DNA position 1844, A replaced by G.
Protein change: p.Lys615Arg; replaces lysine 615 with arginine.
Molecular consequence: missense variant.
Genome position (GRCh38, 1-based): chr13:48,456,233, A>G. VCF-style: chr13-48456233-A-G. GRCh37 (hg19) VCF-style: chr13-49030369-A-G.
Other names: short protein forms K615R.
Identifiers: ClinVar variation 653549 (VCV000653549.15), dbSNP rs1334513810, ClinGen allele CA388165746.